The following continues an entry in ClinVar:

NM_000540.3(RYR1):c.1021G>A (p.Gly341Arg)

Gene: RYR1. ClinVar aggregate classification (germline): Pathogenic. Pathogenic (1).

Submissions 6 to 14 of 14:

Molecular Genetics, Royal Melbourne Hospital
Classification: Pathogenic for Malignant hyperthermia, susceptibility to, 1. Last evaluated: 2024-09-08. Review status: criteria provided, single submitter. Criteria: ACMG Guidelines, 2015. Collection method: clinical testing. Allele origin: germline. Inheritance: Autosomal dominant inheritance. Affected: yes. Not counted in ClinVar's aggregate classification.
Comment: This sequence change in RYR1 is predicted to replace glycine with arginine at codon 341, p.(Gly341Arg). The glycine residue is highly conserved (100 vertebrates, UCSC), and is located in exon 11 in the N-terminal region, amino acids 1-552, which is defined as a mutational hotspot. There is a large physicochemical difference between glycine and arginine. The highest population minor allele frequency in the population database gnomAD v4.1 is 0.0003% (4/1,180,044 alleles) in the European (non-Finnish) population. This variant has been reported in multiple families with malignant hyperthermia susceptibility (MHS) confirmed by in vitro contracture testing (IVCT) and/or a personal/family history of an anaesthetic reaction, and it segregates with MHS in multiple families (PMID: 30236257). This variant has been observed in at least one family with a negative IVCT (PMID: 30236257). The variant demonstrates significantly enhanced sensitivity to calcium release in HEK293 cells indicating that this variant impacts protein function (PMID: 9334205, 26115329). Computational evidence predicts a deleterious effect for the missense substitution (REVEL = 0.864). Based on the classification scheme RMH Modified ACMG/AMP Guidelines v1.7.0, this variant is classified as PATHOGENIC. Following criteria are met: PS4, PP1_Strong, PM1, PP3_Moderate, PS3_Moderate.

Color Diagnostics, LLC DBA Color Health
Classification: Pathogenic for Malignant hyperthermia, susceptibility to, 1. Last evaluated: 2024-06-10. Review status: criteria provided, single submitter. Criteria: ACMG Guidelines, 2015. Collection method: clinical testing. Allele origin: germline. Not counted in ClinVar's aggregate classification.
Comment: This missense variant replaces glycine with arginine at codon 341 of the RYR1 protein. This variant is located in a region of RYR1 protein considered to be a hotspot for pathogenic variants that contribute to malignant hyperthermia susceptibility (PMID: 21118704). Computational prediction suggests that this variant may have deleterious impact on protein structure and function. Functional studies have shown that the mutant protein shows a significantly increased sensitivity to RYR1 agonists compared to the wild type protein (PMID: 9334205, 9873004, 12732639, 26115329). This variant has been reported in over seventy families and/or individuals affected with malignant hyperthermia (PMID: 8825043, 9106529, 16163667, 17710899, 18564801, 19648156, 24433488, 30236257). This variant has been shown to segregate with disease in multiple families (PMID: 8012359, 9106529, 30236257). This variant has not been identified in the general population by the Genome Aggregation Database (gnomAD). Based on the available evidence, this variant is classified as Pathogenic.

Athena Diagnostics
Classification: Pathogenic. Last evaluated: 2022-06-23. Review status: criteria provided, single submitter. Criteria: Athena Diagnostics Criteria. Collection method: clinical testing. Allele origin: unknown. Not counted in ClinVar's aggregate classification.
Comment: This variant has been identified in multiple unrelated individuals with susceptibility to malignant hyperthermia (MHS) and associates with MHS in multiple families. This variant has not been reported in large, multi-ethnic general populations. In some published literature, this variant is referred to as G342R. Assessment of experimental evidence suggests this variant results in abnormal protein function. Variant increased sensitivity to RYR1 activators (PMID:26115329, 9334205, 12732639).

GeneDx
Classification: Pathogenic. Last evaluated: 2022-05-26. Review status: criteria provided, single submitter. Criteria: GeneDx Variant Classification Process June 2021. Collection method: clinical testing. Allele origin: germline. Affected: yes. Not counted in ClinVar's aggregate classification.
Comment: Published functional studies suggest that the variant increases RYR1 channel sensitivity to caffeine and halothane and resistance to channel inactivation (PMID: 12732639, 9334205); In silico analysis supports that this missense variant has a deleterious effect on protein structure/function; Not observed at significant frequency in large population cohorts (gnomAD); This variant is associated with the following publications: (PMID: 19648156, 29101530, 9334205, 9873004, 30236257, 12124989, 31206373, 8825043, 35428369, 12732639, 8012359, 33057194, 26115329, 35982159)

Revvity Omics, Revvity
Classification: Pathogenic. Last evaluated: 2019-05-06. Review status: criteria provided, single submitter. Criteria: ACMG Guidelines, 2015. Collection method: clinical testing. Allele origin: germline. Not counted in ClinVar's aggregate classification.

PreventionGenetics, part of Exact Sciences
Classification: Pathogenic. Last evaluated: 2018-03-15. Review status: criteria provided, single submitter. Criteria: ACMG Guidelines, 2015. Collection method: clinical testing. Allele origin: germline. Not counted in ClinVar's aggregate classification.

Eurofins Ntd Llc (ga)
Classification: Likely pathogenic. Last evaluated: 2014-09-05. Review status: criteria provided, single submitter. Criteria: EGL Classification Definitions 2015. Collection method: clinical testing. Allele origin: germline. Observed: 1 variant allele, 1 heterozygote. Not counted in ClinVar's aggregate classification.

OMIM
Classification: risk factor for MALIGNANT HYPERTHERMIA, SUSCEPTIBILITY TO, 1. Last evaluated: 1998-10-01. Review status: no assertion criteria provided. Collection method: literature only. Allele origin: germline. Not counted in ClinVar's aggregate classification.

RYR1 database
No classification provided. Review status: no classification provided. Collection method: not provided. Allele origin: unknown. Not counted in ClinVar's aggregate classification.

Literature cited by the submitters: PubMed 26115329 (cited by 5 submitters); PubMed 8012359 (cited by 5 submitters); PubMed 8825043 (cited by 4 submitters); PubMed 19648156 (cited by 4 submitters); PubMed 24433488 (cited by 4 submitters); PubMed 9334205 (cited by 5 submitters); PubMed 9873004 (cited by 4 submitters); PubMed 12732639 (cited by 4 submitters); PubMed 27855725 (cited by Victorian Clinical Genetics Services, Murdoch Childrens Research Institute); PubMed 23919265 (cited by Victorian Clinical Genetics Services, Murdoch Childrens Research Institute); PubMed 9106529 (cited by 3 submitters); PubMed 16163667 (cited by All of Us Research Program, National Institutes of Health and Color Diagnostics, LLC DBA Color Health); PubMed 17710899 (cited by All of Us Research Program, National Institutes of Health and Color Diagnostics, LLC DBA Color Health); PubMed 18564801 (cited by 3 submitters); PubMed 21118704 (cited by All of Us Research Program, National Institutes of Health and Color Diagnostics, LLC DBA Color Health); PubMed 30236257 (cited by 4 submitters); PubMed 31301762 (cited by Athena Diagnostics); PubMed 35428369 (cited by Athena Diagnostics); PubMed 31206373 (cited by Athena Diagnostics); PubMed 33259453 (cited by Athena Diagnostics); PubMed 16917943 (cited by Athena Diagnostics); PubMed 12059893 (cited by Athena Diagnostics); PubMed 9831351 (cited by Athena Diagnostics and OMIM); PubMed 9520251 (cited by OMIM); PubMed 7554356 (cited by OMIM); PubMed 9543323 (cited by OMIM).